The following is an entry in ClinVar:

NM_004336.5(BUB1):c.507T>A (p.Asn169Lys)

Gene: BUB1 (BUB1 mitotic checkpoint serine/threonine kinase; minus strand). Cytogenetic location: 2q13.
Variant type: single nucleotide variant.
Coding change: c.507T>A on transcript NM_004336.5 (MANE Select); coding-DNA position 507, T replaced by A.
Protein change: p.Asn169Lys; replaces asparagine 169 with lysine.
Molecular consequence: missense variant.
Genome position (GRCh38, 1-based): chr2:110,669,513, A>T on the plus strand (T>A on the coding strand, the complement: BUB1 is on the minus strand). VCF-style: chr2-110669513-A-T. GRCh37 (hg19) VCF-style: chr2-111427090-A-T.
Other names: c.447T>A, p.Asn149Lys (NM_001278616.2); c.507T>A, p.Asn169Lys (NM_001278617.2); short protein forms N149K, N169K.
Identifiers: ClinVar variation 3483015 (VCV003483015.1).

ClinVar aggregate classification (germline): Uncertain significance (1 of 4 stars; one submission).

Submission:

Ambry Genetics
Classification: Uncertain significance. Last evaluated: 2024-06-30. Review status: criteria provided, single submitter. Criteria: Ambry Variant Classification Scheme 2023. Collection method: clinical testing. Allele origin: germline.
Comment: The p.N169K variant (also known as c.507T>A), located in coding exon 6 of the BUB1 gene, results from a T to A substitution at nucleotide position 507. The asparagine at codon 169 is replaced by lysine, an amino acid with similar properties. This amino acid position is conserved. In addition, this alteration is predicted to be tolerated by in silico analysis. Based on the available evidence, the clinical significance of this variant remains unclear.